The following is an entry in ClinVar:

NM_016023.5(OTUD6B):c.255C>G (p.Asn85Lys)

Gene: OTUD6B (OTU deubiquitinase 6B; plus strand). Cytogenetic location: 8q21.3.
Variant type: single nucleotide variant.
Coding change: c.255C>G on transcript NM_016023.5 (MANE Select); coding-DNA position 255, C replaced by G.
Protein change: p.Asn85Lys; replaces asparagine 85 with lysine.
Molecular consequence: missense variant. On other transcripts: 5 prime UTR variant (1), intron variant (1).
Genome position (GRCh38, 1-based): chr8:91,073,851, C>G. VCF-style: chr8-91073851-C-G. GRCh37 (hg19) VCF-style: chr8-92086079-C-G.
Other names: c.-189C>G (NM_001286745.3); c.234+2562C>G (NM_001416022.1); short protein forms N85K.
Identifiers: ClinVar variation 3036426 (VCV003036426.2), dbSNP rs569224677, ClinGen allele CA4804725.

ClinVar aggregate classification (germline): Uncertain significance (0 of 4 stars; one submission).

Conditions:
OTUD6B-related disorder. Also called: OTUD6B-related condition.

Allele frequency attached by ClinVar (database versions not stated): gnomAD exomes below 0.00001; TOPMed 0.00002; ExAC 0.00005; gnomAD 0.00005; 1000 Genomes Project 0.00040; 1000 Genomes Project 30x 0.00062.
gnomAD v4.1: 9 of 1,589,810 alleles (0.00057%); highest among the groups gnomAD compares: African/African-American, 0.012%; no homozygotes.

Submission:

PreventionGenetics, part of Exact Sciences
Classification: Uncertain significance for OTUD6B-related condition. Last evaluated: 2023-10-23. Review status: no assertion criteria provided. Collection method: clinical testing. Allele origin: germline.
Comment: The OTUD6B c.345C>G variant is predicted to result in the amino acid substitution p.Asn115Lys. To our knowledge, this variant has not been reported in the literature. This variant is reported in 0.018% of alleles in individuals of African descent in gnomAD. At this time, the clinical significance of this variant is uncertain due to the absence of conclusive functional and genetic evidence.